The following is an entry in ClinVar:

NM_006204.4(PDE6C):c.179C>A (p.Ala60Asp)

Gene: PDE6C (phosphodiesterase 6C; plus strand). Cytogenetic location: 10q23.33.
Variant type: single nucleotide variant.
Coding change: c.179C>A on transcript NM_006204.4 (MANE Select); coding-DNA position 179, C replaced by A.
Protein change: p.Ala60Asp; replaces alanine 60 with aspartic acid.
Molecular consequence: missense variant.
Genome position (GRCh38, 1-based): chr10:93,612,904, C>A. VCF-style: chr10-93612904-C-A. GRCh37 (hg19) VCF-style: chr10-95372661-C-A.
Other names: short protein forms A60D.
Identifiers: ClinVar variation 1993638 (VCV001993638.4), dbSNP rs1659545352, ClinGen allele CA377621771.

ClinVar aggregate classification (germline): Uncertain significance (1 of 4 stars; one submission).

Submission:

Labcorp Genetics (formerly Invitae), Labcorp
Classification: Uncertain significance. Last evaluated: 2022-09-13. Review status: criteria provided, single submitter. Criteria: Invitae Variant Classification Sherloc (09022015). Collection method: clinical testing. Allele origin: germline.
Comment: This sequence change replaces alanine, which is neutral and non-polar, with aspartic acid, which is acidic and polar, at codon 60 of the PDE6C protein (p.Ala60Asp). In summary, the available evidence is currently insufficient to determine the role of this variant in disease. Therefore, it has been classified as a Variant of Uncertain Significance. Advanced modeling of protein sequence and biophysical properties (such as structural, functional, and spatial information, amino acid conservation, physicochemical variation, residue mobility, and thermodynamic stability) performed at Invitae indicates that this missense variant is not expected to disrupt PDE6C protein function. This variant has not been reported in the literature in individuals affected with PDE6C-related conditions. This variant is not present in population databases (gnomAD no frequency).